The following is an entry in ClinVar:

NM_020806.5(GPHN):c.1739T>C (p.Val580Ala)

Gene: GPHN (gephyrin; plus strand). Cytogenetic location: 14q23.3.
Variant type: single nucleotide variant.
Coding change: c.1739T>C on transcript NM_020806.5 (MANE Select); coding-DNA position 1739, T replaced by C.
Protein change: p.Val580Ala; replaces valine 580 with alanine.
Molecular consequence: missense variant.
Genome position (GRCh38, 1-based): chr14:67,122,368, T>C. VCF-style: chr14-67122368-T-C. GRCh37 (hg19) VCF-style: chr14-67589085-T-C.
Other names: c.1739T>C (NM_020806.4); c.1640T>C, p.Val547Ala (NM_001024218.2); c.1799T>C, p.Val600Ala (NM_001377514.1); c.1769T>C, p.Val590Ala (NM_001377515.1); c.1760T>C, p.Val587Ala (NM_001377516.1); c.1712T>C, p.Val571Ala (NM_001377517.1); c.1697T>C, p.Val566Ala (NM_001377518.1); c.1679T>C, p.Val560Ala (NM_001377519.1); short protein forms V580A, V547A, V560A, V571A, V587A, V566A, V590A, V600A.
Identifiers: ClinVar variation 1416016 (VCV001416016.7), dbSNP rs752190801, ClinGen allele CA7234154.

ClinVar aggregate classification (germline): Uncertain significance. Review status: criteria provided, multiple submitters, no conflicts (2 of 4 stars). 2 submissions from 2 submitters: Uncertain significance (2). Last evaluated 2025-09-22.

Conditions:
Inborn genetic diseases. Identifiers: MedGen C0950123, MeSH D030342.
Sulfite oxidase deficiency due to molybdenum cofactor deficiency type C. Also called: Molybdenum cofactor deficiency C; Molybdenum cofactor deficiency, complementation group C. Identifiers: Orphanet 308400, Orphanet 833, MedGen C1854990, MONDO:0014212, OMIM 615501.

Allele frequency attached by ClinVar (database versions not stated): gnomAD exomes 0.00001 and 0.00002; ExAC 0.00002.
gnomAD v4.1: 7 of 1,612,898 alleles (0.00043%); highest among the groups gnomAD compares: Admixed American, 0.01%; no homozygotes.

Submissions (2):

Ambry Genetics
Classification: Uncertain significance for Inborn genetic diseases. Last evaluated: 2025-09-22. Review status: criteria provided, single submitter. Criteria: Ambry Variant Classification Scheme 2023. Collection method: clinical testing. Allele origin: germline.

Labcorp Genetics (formerly Invitae), Labcorp
Classification: Uncertain significance for Sulfite oxidase deficiency due to molybdenum cofactor deficiency type C. Last evaluated: 2025-08-30. Review status: criteria provided, single submitter. Criteria: Invitae Variant Classification Sherloc (09022015). Collection method: clinical testing. Allele origin: germline.
Comment: This sequence change replaces valine, which is neutral and non-polar, with alanine, which is neutral and non-polar, at codon 580 of the GPHN protein (p.Val580Ala). This variant is present in population databases (rs752190801, gnomAD 0.02%). This variant has not been reported in the literature in individuals affected with GPHN-related conditions. ClinVar contains an entry for this variant (Variation ID: 1416016). Invitae Evidence Modeling of protein sequence and biophysical properties (such as structural, functional, and spatial information, amino acid conservation, physicochemical variation, residue mobility, and thermodynamic stability) indicates that this missense variant is not expected to disrupt GPHN protein function with a negative predictive value of 80%. In summary, the available evidence is currently insufficient to determine the role of this variant in disease. Therefore, it has been classified as a Variant of Uncertain Significance.